The following is an entry in ClinVar:

NM_016335.6(PRODH):c.1011+1G>C

Gene: PRODH (proline dehydrogenase 1; minus strand). Cytogenetic location: 22q11.21.
Variant type: single nucleotide variant.
Coding change: c.1011+1G>C on transcript NM_016335.6 (MANE Select); the canonical splice donor site of the intron after coding-DNA position 1011, G replaced by C.
Molecular consequence: splice donor variant.
Genome position (GRCh38, 1-based): chr22:18,921,341, C>G on the plus strand (G>C on the coding strand, the complement: PRODH is on the minus strand). VCF-style: chr22-18921341-C-G. GRCh37 (hg19) VCF-style: chr22-18908854-C-G.
Other names: c.687+1G>C (NM_001195226.2, NM_001368250.2).
Identifiers: ClinVar variation 5019268 (VCV005019268.1).

ClinVar aggregate classification (germline): Likely pathogenic (1 of 4 stars; one submission).

Conditions:
Schizophrenia 4 (SCZD4). Also called: SCHIZOPHRENIA, SUSCEPTIBILITY TO, 4; SCHIZOPHRENIA SUSCEPTIBILITY LOCUS, CHROMOSOME 22q11-RELATED. Identifiers: MedGen C1833247, MONDO:0010943, OMIM 600850.
Proline dehydrogenase deficiency (HYRPRO1). Also called: PROLINE OXIDASE DEFICIENCY; Hyperprolinemia type 1. Identifiers: Orphanet 419, MedGen C0268529, MONDO:0009400, OMIM 239500.

Submission:

Juno Genomics, Hangzhou Juno Genomics, Inc
Classification: Likely pathogenic for Schizophrenia 4; Proline dehydrogenase deficiency. Review status: criteria provided, single submitter. Criteria: ACMG Guidelines, 2015. Collection method: clinical testing. Allele origin: germline. Affected: yes.
Comment: Absent from controls (or at extremely low frequency if recessive) in Genome Aggregation Database.;Null variant in a gene where loss of function (LOF) is a known mechanism of disease.